The following is an entry in ClinVar:

NM_001382391.1(CSPP1):c.2530G>C (p.Glu844Gln)

Gene: CSPP1 (centrosome and spindle pole associated protein 1; plus strand). Cytogenetic location: 8q13.2.
Variant type: single nucleotide variant.
Coding change: c.2530G>C on transcript NM_001382391.1 (MANE Select); coding-DNA position 2530, G replaced by C.
Protein change: p.Glu844Gln; replaces glutamic acid 844 with glutamine.
Molecular consequence: missense variant.
Genome position (GRCh38, 1-based): chr8:67,159,129, G>C. VCF-style: chr8-67159129-G-C. GRCh37 (hg19) VCF-style: chr8-68071364-G-C.
Other names: c.1480G>C, p.Glu494Gln (NM_001291339.2); c.2449G>C, p.Glu817Gln (NM_001363131.2); c.2335G>C, p.Glu779Gln (NM_001363132.2); c.2254G>C, p.Glu752Gln (NM_001363133.2); c.2596G>C, p.Glu866Gln (NM_001364869.1); c.2416G>C, p.Glu806Gln (NM_001364870.1); c.2515G>C, p.Glu839Gln (NM_024790.7); short protein forms E494Q, E779Q, E817Q, E844Q, E752Q, E866Q, E806Q, E839Q.
Identifiers: ClinVar variation 1915104 (VCV001915104.2), dbSNP rs909732603, ClinGen allele CA371190568.

ClinVar aggregate classification (germline): Uncertain significance (1 of 4 stars; one submission).

Conditions:
Joubert syndrome 21 (JBTS21). Identifiers: MedGen C3810212, MONDO:0014288, OMIM 615636.

gnomAD v4.1: 7 of 1,596,950 alleles (0.00044%); highest among the groups gnomAD compares: African/African-American, 0.0095%; no homozygotes.

Submission:

Labcorp Genetics (formerly Invitae), Labcorp
Classification: Uncertain significance for Joubert syndrome 21. Last evaluated: 2022-09-07. Review status: criteria provided, single submitter. Criteria: Invitae Variant Classification Sherloc (09022015). Collection method: clinical testing. Allele origin: germline.
Comment: This sequence change replaces glutamic acid, which is acidic and polar, with glutamine, which is neutral and polar, at codon 839 of the CSPP1 protein (p.Glu839Gln). This variant is present in population databases (no rsID available, gnomAD 0.01%). This variant has not been reported in the literature in individuals affected with CSPP1-related conditions. Algorithms developed to predict the effect of missense changes on protein structure and function output the following: SIFT: "Tolerated"; PolyPhen-2: "Benign"; Align-GVGD: "Class C0". The glutamine amino acid residue is found in multiple mammalian species, which suggests that this missense change does not adversely affect protein function. In summary, the available evidence is currently insufficient to determine the role of this variant in disease. Therefore, it has been classified as a Variant of Uncertain Significance.